The following is an entry in ClinVar:

NM_006567.5(FARS2):c.120G>T (p.Glu40Asp)

Genes: FARS2 (phenylalanyl-tRNA synthetase 2, mitochondrial; plus strand), LOC126859565 (CDK7 strongly-dependent group 2 enhancer GRCh37_chr6:5368745-5369944; plus strand). Cytogenetic location: 6p25.1.
Variant type: single nucleotide variant.
Coding change: c.120G>T on transcript NM_006567.5 (MANE Select); coding-DNA position 120, G replaced by T.
Protein change: p.Glu40Asp; replaces glutamic acid 40 with aspartic acid.
Molecular consequence: missense variant. On other transcripts: intron variant (2).
Genome position (GRCh38, 1-based): chr6:5,368,690, G>T. VCF-style: chr6-5368690-G-T. GRCh37 (hg19) VCF-style: chr6-5368923-G-T.
Other names: c.120G>T, p.Glu40Asp (NM_001318872.2, NM_001374875.1, NM_001374876.1 and 5 more transcripts); c.-340-27943G>T (NM_001375260.1); c.-84-35852G>T (NM_001375259.1); short protein forms E40D.
Identifiers: ClinVar variation 963163 (VCV000963163.7), dbSNP rs761074033, ClinGen allele CA362734596.

ClinVar aggregate classification (germline): Uncertain significance (1 of 4 stars; one submission).

Conditions:
Combined oxidative phosphorylation defect type 14. Also called: Combined oxidative phosphorylation deficiency 14. Identifiers: Orphanet 319519, MedGen C4755312, MONDO:0013986, OMIM 614946.

Allele frequency attached by ClinVar (database versions not stated): TOPMed 0.00001.
gnomAD v4.1: 5 of 1,614,082 alleles (0.00031%); highest among the groups gnomAD compares: Non-Finnish European, 0.00042%; no homozygotes.

Submission:

Labcorp Genetics (formerly Invitae), Labcorp
Classification: Uncertain significance for Combined oxidative phosphorylation defect type 14. Last evaluated: 2021-09-01. Review status: criteria provided, single submitter. Criteria: Invitae Variant Classification Sherloc (09022015). Collection method: clinical testing. Allele origin: germline.
Comment: This sequence change replaces glutamic acid with aspartic acid at codon 40 of the FARS2 protein (p.Glu40Asp). The glutamic acid residue is weakly conserved and there is a small physicochemical difference between glutamic acid and aspartic acid. This variant is not present in population databases (ExAC no frequency). This variant has not been reported in the literature in individuals affected with FARS2-related conditions. Algorithms developed to predict the effect of missense changes on protein structure and function output the following: SIFT: "Tolerated"; PolyPhen-2: "Benign"; Align-GVGD: "Class C0". The aspartic acid amino acid residue is found in multiple mammalian species, which suggests that this missense change does not adversely affect protein function. In summary, the available evidence is currently insufficient to determine the role of this variant in disease. Therefore, it has been classified as a Variant of Uncertain Significance.